The following is an entry in ClinVar:

NM_001242882.2(NAXD):c.70C>A (p.Arg24Ser)

Gene: NAXD (NAD(P)HX dehydratase; plus strand). Cytogenetic location: 13q34.
Variant type: single nucleotide variant.
Coding change: c.70C>A on transcript NM_001242882.2 (MANE Select); coding-DNA position 70, C replaced by A.
Protein change: p.Arg24Ser; replaces arginine 24 with serine.
Molecular consequence: missense variant. On other transcripts: non-coding transcript variant (2), intron variant (1).
Genome position (GRCh38, 1-based): chr13:110,622,239, C>A. VCF-style: chr13-110622239-C-A. GRCh37 (hg19) VCF-style: chr13-111274586-C-A.
Other names: c.124C>A, p.Arg42Ser (NM_001242881.2, NM_018210.4); c.57-5200C>A (NM_001242883.2); short protein forms R24S, R42S.
Identifiers: ClinVar variation 1431935 (VCV001431935.7), dbSNP rs138412062, ClinGen allele CA7051036.
Genomic context (GRCh38, chr13:110,622,239, plus strand): 5'-TTACCTTTCTGAATTATTCATTTTTCTTGTCTTTCAGTTTTAGAAAGAGCGTTTTCGCTA[C>A]GTAAAGCACATTCGATAAAGGATATGGAAAATACTTTGCAGCTGGTGAGAAATATCATAC-3'
Protein context (NP_001229811.1, residues 14-34): RRVLERAFSL[Arg24Ser]KAHSIKDMEN

ClinVar aggregate classification (germline): Uncertain significance (1 of 4 stars; one submission).

Allele frequency attached by ClinVar (database versions not stated): ESP Exome Variant Server 0.00008.
gnomAD v4.1: 16 of 1,613,484 alleles (0.00099%); highest among the groups gnomAD compares: Middle Eastern, 0.017%; no homozygotes.

Submission:

Labcorp Genetics (formerly Invitae), Labcorp
Classification: Uncertain significance. Last evaluated: 2024-07-12. Review status: criteria provided, single submitter. Criteria: Invitae Variant Classification Sherloc (09022015). Collection method: clinical testing. Allele origin: germline.
Comment: This sequence change replaces arginine, which is basic and polar, with serine, which is neutral and polar, at codon 42 of the NAXD protein (p.Arg42Ser). This variant is present in population databases (rs138412062, gnomAD 0.002%). This variant has not been reported in the literature in individuals affected with NAXD-related conditions. ClinVar contains an entry for this variant (Variation ID: 1431935). Advanced modeling of protein sequence and biophysical properties (such as structural, functional, and spatial information, amino acid conservation, physicochemical variation, residue mobility, and thermodynamic stability) performed at Invitae indicates that this missense variant is not expected to disrupt NAXD protein function with a negative predictive value of 80%. In summary, the available evidence is currently insufficient to determine the role of this variant in disease. Therefore, it has been classified as a Variant of Uncertain Significance.